The following is an entry in ClinVar:

ClinVar aggregate classification (germline): Benign (0 of 4 stars; one submission).

Conditions:
ZMYM6-related disorder. Also called: ZMYM6-related condition.

Submission:

PreventionGenetics, part of Exact Sciences
Classification: Benign for ZMYM6-related condition. Last evaluated: 2019-08-01. Review status: no assertion criteria provided. Collection method: clinical testing. Allele origin: germline.
Comment: This variant is classified as benign based on ACMG/AMP sequence variant interpretation guidelines (Richards et al. 2015 PMID: 25741868, with internal and published modifications).

NM_007167.4(ZMYM6):c.94-5del

Gene: ZMYM6 (zinc finger MYM-type containing 6; minus strand). Cytogenetic location: 1p34.3.
Variant type: Deletion.
Coding change: c.94-5del on transcript NM_007167.4 (MANE Select); 5 bases into the intron before coding-DNA position 94, one base deleted (T; older notation c.94-5delT).
Molecular consequence: intron variant.
Genome position (GRCh38, 1-based): chr1:35,020,472, A deleted on the plus strand (T on the coding strand, the reverse complement: ZMYM6 is on the minus strand); the first of 11 consecutive A bases (chr1:35,020,472-35,020,482); deleting any one gives the same sequence. VCF-style (leftmost placement, unchanged base first): chr1-35020471-TA-T. GRCh37 (hg19) VCF-style: chr1-35486072-TA-T.
Identifiers: ClinVar variation 3057236 (VCV003057236.2), dbSNP rs11476047, ClinGen allele CA756845.